The following is an entry in ClinVar:

ClinVar aggregate classification (germline): Uncertain significance (1 of 4 stars; one submission).

Submission:

Labcorp Genetics (formerly Invitae), Labcorp
Classification: Uncertain significance. Last evaluated: 2022-07-06. Review status: criteria provided, single submitter. Criteria: Invitae Variant Classification Sherloc (09022015). Collection method: clinical testing. Allele origin: germline.
Comment: This sequence change replaces leucine, which is neutral and non-polar, with proline, which is neutral and non-polar, at codon 1335 of the SAMD9L protein (p.Leu1335Pro). This variant is not present in population databases (gnomAD no frequency). This variant has not been reported in the literature in individuals affected with SAMD9L-related conditions. Algorithms developed to predict the effect of missense changes on protein structure and function are either unavailable or do not agree on the potential impact of this missense change (SIFT: "Not Available"; PolyPhen-2: "Possibly Damaging"; Align-GVGD: "Not Available"). In summary, the available evidence is currently insufficient to determine the role of this variant in disease. Therefore, it has been classified as a Variant of Uncertain Significance.

NM_152703.5(SAMD9L):c.4004T>C (p.Leu1335Pro)

Gene: SAMD9L (sterile alpha motif domain containing 9 like; minus strand). Cytogenetic location: 7q21.2.
Variant type: single nucleotide variant.
Coding change: c.4004T>C on transcript NM_152703.5 (MANE Select); coding-DNA position 4004, T replaced by C.
Protein change: p.Leu1335Pro; replaces leucine 1335 with proline.
Molecular consequence: missense variant.
Genome position (GRCh38, 1-based): chr7:93,131,968, A>G on the plus strand (T>C on the coding strand, the complement: SAMD9L is on the minus strand). VCF-style: chr7-93131968-A-G. GRCh37 (hg19) VCF-style: chr7-92761281-A-G.
Other names: c.4004T>C, p.Leu1335Pro (NM_001303496.3, NM_001303497.3, NM_001303498.3 and 5 more transcripts); short protein forms L1335P.
Identifiers: ClinVar variation 2047659 (VCV002047659.4), dbSNP rs267601633, ClinGen allele CA368178220.